The following is an entry in ClinVar:

ClinVar aggregate classification (germline): Pathogenic (1 of 4 stars; one submission).

Submission:

Quest Diagnostics Nichols Institute San Juan Capistrano
Classification: Pathogenic. Last evaluated: 2023-06-26. Review status: criteria provided, single submitter. Criteria: ACMG/ClinGen CNV Guidelines, 2019. Collection method: clinical testing. Allele origin: unknown.
Comment: This loss involves multiple exons (NM_004484.4) of the 3' portion of the GPC3 gene (OMIM 300037). Loss of GPC3 is associated with X-linked Simpson-Golabi-Behmel syndrome type 1 (SGBS1, OMIM 312870, Lindsay 1997, Rehm 2015, Sajorda 2018, Veugelers 1998, Vuillaume 2018). There are no similar copy number losses of this region in the general populations of the Database of Genomic Variants. Therefore, this copy number variant (CNV) is classified as pathogenic. References: Lindsay et al., J Med Genet. 1997 Jun;34(6):480-3. PMID: 9192268 Rehm et al., N Engl J Med. 2015 Jun 4;372(23):2235-42. PMID: 26014595 (HGNC:4451) Sajorda et al., GeneReviews [updated 2018 Nov 29]. PMID: 20301398 Veugelers et al., Genomics. 1998 Oct 1;53(1):1-11. PMID: 9787072 Vuillaume et al., Hum Mutat. 2018 Jun;39(6):790-805. PMID: 29637653

GRCh37/hg19 Xq26.2(chrX:132554646-132787377)x0

Gene: GPC3 (glypican 3; minus strand). Cytogenetic location: Xq26.2.
Variant type: copy number loss.
Change: copy number 0 of chrX:132,554,646-132,787,377 (232.7 kb, GRCh37 coordinates, 1-based), cytogenetic band Xq26.2.
Identifiers: ClinVar variation 2685155 (VCV002685155.1).